The following is an entry in ClinVar:

ClinVar aggregate classification (germline): Uncertain significance. Review status: criteria provided, multiple submitters, no conflicts (2 of 4 stars). 5 submissions from 5 submitters: Uncertain significance (5). Last evaluated 2026-01-12.

Conditions:
Cardiovascular phenotype. Identifiers: MedGen CN230736.

Allele frequency attached by ClinVar (database versions not stated): gnomAD exomes 0.00004 and 0.00012; gnomAD 0.00006 and 0.00007; TOPMed 0.00008.
gnomAD v4.1: 181 of 1,539,380 alleles (0.012%); highest among the groups gnomAD compares: Non-Finnish European, 0.015%; no homozygotes.

Submissions (5):

Women's Health and Genetics/Laboratory Corporation of America, LabCorp
Classification: Uncertain significance. Last evaluated: 2026-01-12. Review status: criteria provided, single submitter. Criteria: LabCorp Variant Classification Summary - May 2015. Collection method: clinical testing. Allele origin: germline.
Comment: Variant summary: ZNF469 c.9593C>T (p.Ala3198Val) results in a non-conservative amino acid change in the encoded protein sequence. Algorithms developed to predict the effect of missense changes on protein structure and function are either unavailable or do not agree on the potential impact of this missense change. The variant allele was found at a frequency of 3.8e-05 in 133104 control chromosomes. The available data on variant occurrences in the general population are insufficient to allow any conclusion about variant significance. To our knowledge, no occurrence of c.9593C>T in individuals affected with ZNF469-related conditions and no experimental evidence demonstrating its impact on protein function have been reported. ClinVar contains an entry for this variant (Variation ID: 1315295). Based on the evidence outlined above, the variant was classified as uncertain significance.

Ambry Genetics
Classification: Uncertain significance for Cardiovascular phenotype. Last evaluated: 2024-11-03. Review status: criteria provided, single submitter. Criteria: Ambry Variant Classification Scheme 2023. Collection method: clinical testing. Allele origin: germline.
Comment: The p.A3170V variant (also known as c.9509C>T), located in coding exon 2 of the ZNF469 gene, results from a C to T substitution at nucleotide position 9509. The alanine at codon 3170 is replaced by valine, an amino acid with similar properties. This amino acid position is conserved. In addition, this alteration is predicted to be tolerated by in silico analysis. Since supporting evidence is limited at this time, the clinical significance of this alteration remains unclear.

Mayo Clinic Laboratories, Mayo Clinic
Classification: Uncertain significance. Last evaluated: 2023-10-03. Review status: criteria provided, single submitter. Criteria: ACMG Guidelines, 2015. Collection method: clinical testing. Allele origin: germline. Observed: 1 variant allele.

Labcorp Genetics (formerly Invitae), Labcorp
Classification: Uncertain significance. Last evaluated: 2022-07-08. Review status: criteria provided, single submitter. Criteria: Invitae Variant Classification Sherloc (09022015). Collection method: clinical testing. Allele origin: germline.
Comment: This sequence change replaces alanine, which is neutral and non-polar, with valine, which is neutral and non-polar, at codon 3170 of the ZNF469 protein (p.Ala3170Val). This variant is present in population databases (no rsID available, gnomAD 0.01%). This variant has not been reported in the literature in individuals affected with ZNF469-related conditions. ClinVar contains an entry for this variant (Variation ID: 1315295). Algorithms developed to predict the effect of missense changes on protein structure and function are either unavailable or do not agree on the potential impact of this missense change (SIFT: "Deleterious"; PolyPhen-2: "Probably Damaging"; Align-GVGD: "Class C0"). In summary, the available evidence is currently insufficient to determine the role of this variant in disease. Therefore, it has been classified as a Variant of Uncertain Significance.

GeneDx
Classification: Uncertain significance. Last evaluated: 2020-02-04. Review status: criteria provided, single submitter. Criteria: GeneDx Variant Classification Process June 2021. Collection method: clinical testing. Allele origin: germline. Affected: yes.
Comment: Not observed at a significant frequency in large population cohorts (Lek et al., 2016); In silico analysis supports that this missense variant does not alter protein structure/function; Has not been previously published as pathogenic or benign to our knowledge

NM_001367624.2(ZNF469):c.9593C>T (p.Ala3198Val)

Gene: ZNF469 (zinc finger protein 469; plus strand). Cytogenetic location: 16q24.2.
Variant type: single nucleotide variant.
Coding change: c.9593C>T on transcript NM_001367624.2 (MANE Select); coding-DNA position 9593, C replaced by T.
Protein change: p.Ala3198Val; replaces alanine 3198 with valine.
Molecular consequence: missense variant.
Genome position (GRCh38, 1-based): chr16:88,437,063, C>T. VCF-style: chr16-88437063-C-T. GRCh37 (hg19) VCF-style: chr16-88503471-C-T.
Other names: NM_001127464.1:c.9509C>T; p.Ala3198Val; short protein forms A3198V.
Identifiers: ClinVar variation 1315295 (VCV001315295.10), dbSNP rs1029446515, ClinGen allele CA286385590.